The following is an entry in ClinVar:

ClinVar aggregate classification (germline): Likely pathogenic. Review status: criteria provided, multiple submitters, no conflicts (2 of 4 stars). 3 submissions from 3 submitters: Likely pathogenic (3). Last evaluated 2025-07-16.

Conditions:
Familial hyperinsulinism. Also called: Congenital hyperinsulinism. Identifiers: Orphanet 276525, MedGen C3888018, MONDO:0017182. Disease mechanism: loss of function.

Submissions (3):

Women's Health and Genetics/Laboratory Corporation of America, LabCorp
Classification: Likely pathogenic for Familial hyperinsulinism. Last evaluated: 2025-07-16. Review status: criteria provided, single submitter. Criteria: LabCorp Variant Classification Summary - May 2015. Collection method: clinical testing. Allele origin: germline.
Comment: Variant summary: ABCC8 c.4547A>G (p.Glu1516Gly) results in a non-conservative amino acid change in the encoded protein sequence. Algorithms developed to predict the effect of missense changes on protein structure and function all suggest that this variant is likely to be disruptive. The variant was absent in 251250 control chromosomes. c.4547A>G has been observed in individual(s) affected with Congenital Hyperinsulinism or hypoglybemia (Boodhansingh_2019, LCG inernal data). These data indicate that the variant is likely to be associated with disease. At least one publication reports experimental evidence evaluating an impact on protein function (Boodhansingh_2019). The most pronounced variant effect results in residual activity of the channel complex. The following publications have been ascertained in the context of this evaluation (PMID: 31464105). ClinVar contains an entry for this variant (Variation ID: 1338496). Based on the evidence outlined above, the variant was classified as likely pathogenic.

Labcorp Genetics (formerly Invitae), Labcorp
Classification: Likely pathogenic. Last evaluated: 2023-09-22. Review status: criteria provided, single submitter. Criteria: Invitae Variant Classification Sherloc (09022015). Collection method: clinical testing. Allele origin: germline.
Comment: ClinVar contains an entry for this variant (Variation ID: 1338496). In summary, the currently available evidence indicates that the variant is pathogenic, but additional data are needed to prove that conclusively. Therefore, this variant has been classified as Likely Pathogenic. This variant disrupts the p.Glu1516 amino acid residue in ABCC8. Other variant(s) that disrupt this residue have been observed in individuals with ABCC8-related conditions (PMID: 21536946, 31464105, 33502730), which suggests that this may be a clinically significant amino acid residue. Experimental studies have shown that this missense change affects ABCC8 function (PMID: 31464105). An algorithm developed to predict the effect of missense changes on protein structure and function (PolyPhen-2) suggests that this variant is likely to be tolerated. This variant is also known as c.4550A>G (p.Glu1517Gly). This missense change has been observed in individuals with autosomal dominant hyperinsulinism (PMID: 31464105; Invitae). This variant is not present in population databases (gnomAD no frequency). This sequence change replaces glutamic acid, which is acidic and polar, with glycine, which is neutral and non-polar, at codon 1516 of the ABCC8 protein (p.Glu1516Gly).

Genetic Services Laboratory, University of Chicago
Classification: Likely pathogenic. Last evaluated: 2019-03-14. Review status: criteria provided, single submitter. Criteria: ACMG Guidelines, 2015. Collection method: clinical testing. Allele origin: germline. Affected: yes.
Comment: DNA sequence analysis of the ABCC8 gene demonstrated a sequence change, c.4547A>G, in exon 38 that results in an amino acid change, p.Glu1516Gly. This sequence change is absent from the gnomAD population database. The p.Glu1516Gly change has been identified in the heterozygous state in a patient who was partially responsive to diazoxide treatment and in their parent with suspected episodes of hypoglycemia (Children's Hospital of Philadelphia Hyperinsulinism Center, unpublished data). Additionally, a different variant affecting the same amino acid residue (c.4546G>A, p.Glu1516Lys) has been reported in a patient with suspected autosomal dominant, diazoxide-unresponsive hyperinsulinism (PMID: 21536946). The p.Glu1516Lys change was also identified in the mother of the reported patient, who had a suspected history of hypoglycemia. The p.Glu1516Gly change affects a highly conserved amino acid residue located in a functional domain of the ABCC8 protein. In-silico pathogenicity prediction tools (SIFT, PolyPhen2, Align GVGD, REVEL) provide contradictory results for the p.Glu1516Gly substitution. The p.Glu1516Gly amino acid change occurs in a region of the ABCC8 gene where other missense sequence changes have been described in patients with ABCC8-related disorders. " DNA sequence analysis of the ABCC8 gene demonstrated a sequence change, c.4547A>G, in exon 38 that results in an amino acid change, p.Glu1516Gly. This sequence change is absent from the gnomAD population database. The p.Glu1516Gly change has been identified in the heterozygous state in a patient who was partially responsive to diazoxide treatment and in their parent with suspected episodes of hypoglycemia (Children's Hospital of Philadelphia Hyperinsulinism Center, unpublished data). Additionally, a different variant affecting the same amino acid residue (c.4546G>A, p.Glu1516Lys) has been reported in a patient with suspected autosomal dominant, diazoxide-unresponsive hyperinsulinism (PMID: 21536946). The p.Glu1516Lys change was also identified in the mother of the reported patient, who had a suspected history of hypoglycemia. The p.Glu1516Gly change affects a highly conserved amino acid residue located in a functional domain of the ABCC8 protein. In-silico pathogenicity prediction tools (SIFT, PolyPhen2, Align GVGD, REVEL) provide contradictory results for the p.Glu1516Gly substitution. The p.Glu1516Gly amino acid change occurs in a region of the ABCC8 gene where other missense sequence changes have been described in patients with ABCC8-related disorders.

Literature cited by the submitters: PubMed 31464105 (cited by Women's Health and Genetics/Laboratory Corporation of America, LabCorp and Labcorp Genetics (formerly Invitae), Labcorp); PubMed 21536946 (cited by Labcorp Genetics (formerly Invitae), Labcorp); PubMed 33502730 (cited by Labcorp Genetics (formerly Invitae), Labcorp).

NM_000352.6(ABCC8):c.4547A>G (p.Glu1516Gly)

Gene: ABCC8 (ATP binding cassette subfamily C member 8; minus strand). Cytogenetic location: 11p15.1.
Variant type: single nucleotide variant.
Coding change: c.4547A>G on transcript NM_000352.6 (MANE Select); coding-DNA position 4547, A replaced by G.
Protein change: p.Glu1516Gly; replaces glutamic acid 1516 with glycine.
Molecular consequence: missense variant. On other transcripts: non-coding transcript variant (1).
Genome position (GRCh38, 1-based): chr11:17,393,758, T>C on the plus strand (A>G on the coding strand, the complement: ABCC8 is on the minus strand). VCF-style: chr11-17393758-T-C. GRCh37 (hg19) VCF-style: chr11-17415305-T-C.
Other names: c.4550A>G, p.Glu1517Gly (NM_001287174.3); c.4613A>G, p.Glu1538Gly (NM_001351295.2); c.4547A>G, p.Glu1516Gly (NM_001351296.2); c.4544A>G, p.Glu1515Gly (NM_001351297.2); short protein forms E1515G, E1516G, E1517G, E1538G.
Identifiers: ClinVar variation 1338496 (VCV001338496.8), dbSNP rs2133393241, ClinGen allele CA379782282.